The following is an entry in ClinVar:

ClinVar aggregate classification (germline): Uncertain significance (1 of 4 stars; one submission).

Allele frequency attached by ClinVar (database versions not stated): gnomAD exomes below 0.00001; TOPMed below 0.00001.

Submission:

Labcorp Genetics (formerly Invitae), Labcorp
Classification: Uncertain significance. Last evaluated: 2024-02-19. Review status: criteria provided, single submitter. Criteria: Invitae Variant Classification Sherloc (09022015). Collection method: clinical testing. Allele origin: germline.
Comment: This sequence change replaces methionine, which is neutral and non-polar, with threonine, which is neutral and polar, at codon 1993 of the FLNB protein (p.Met1993Thr). This variant is present in population databases (no rsID available, gnomAD 0.006%). This variant has not been reported in the literature in individuals affected with FLNB-related conditions. ClinVar contains an entry for this variant (Variation ID: 1963809). Advanced modeling of protein sequence and biophysical properties (such as structural, functional, and spatial information, amino acid conservation, physicochemical variation, residue mobility, and thermodynamic stability) performed at Invitae indicates that this missense variant is not expected to disrupt FLNB protein function with a negative predictive value of 95%. In summary, the available evidence is currently insufficient to determine the role of this variant in disease. Therefore, it has been classified as a Variant of Uncertain Significance.

NM_001457.4(FLNB):c.5978T>C (p.Met1993Thr)

Gene: FLNB (filamin B; plus strand). Cytogenetic location: 3p14.3.
Variant type: single nucleotide variant.
Coding change: c.5978T>C on transcript NM_001457.4 (MANE Select); coding-DNA position 5978, T replaced by C.
Protein change: p.Met1993Thr; replaces methionine 1993 with threonine.
Molecular consequence: missense variant.
Genome position (GRCh38, 1-based): chr3:58,148,739, T>C. VCF-style: chr3-58148739-T-C. GRCh37 (hg19) VCF-style: chr3-58134466-T-C.
Other names: c.6071T>C, p.Met2024Thr (NM_001164317.2); c.5945T>C, p.Met1982Thr (NM_001164318.2); c.5906T>C, p.Met1969Thr (NM_001164319.2); short protein forms M1969T, M1993T, M1982T, M2024T.
Identifiers: ClinVar variation 1963809 (VCV001963809.5), dbSNP rs1214686347, ClinGen allele CA353356264.